The following is an entry in ClinVar:

NM_006231.4(POLE):c.652A>G (p.Ile218Val)

Gene: POLE (DNA polymerase epsilon, catalytic subunit; minus strand). Cytogenetic location: 12q24.33.
Variant type: single nucleotide variant.
Coding change: c.652A>G on transcript NM_006231.4 (MANE Select); coding-DNA position 652, A replaced by G.
Protein change: p.Ile218Val; replaces isoleucine 218 with valine.
Molecular consequence: missense variant.
Genome position (GRCh38, 1-based): chr12:132,677,646, T>C on the plus strand (A>G on the coding strand, the complement: POLE is on the minus strand). VCF-style: chr12-132677646-T-C. GRCh37 (hg19) VCF-style: chr12-133254232-T-C.
Other names: short protein forms I218V.
Identifiers: ClinVar variation 572596 (VCV000572596.8), dbSNP rs1319446692, ClinGen allele CA387365048.

ClinVar aggregate classification (germline): Uncertain significance (1 of 4 stars; one submission).

Allele frequency attached by ClinVar (database versions not stated): gnomAD exomes below 0.00001.
gnomAD v4.1: 1 of 1,614,200 alleles (0.000062%); highest among the groups gnomAD compares: Non-Finnish European, 0.000085%; no homozygotes.

Submission:

Labcorp Genetics (formerly Invitae), Labcorp
Classification: Uncertain significance. Last evaluated: 2024-12-11. Review status: criteria provided, single submitter. Criteria: Invitae Variant Classification Sherloc (09022015). Collection method: clinical testing. Allele origin: germline.
Comment: This sequence change replaces isoleucine, which is neutral and non-polar, with valine, which is neutral and non-polar, at codon 218 of the POLE protein (p.Ile218Val). This variant is not present in population databases (gnomAD no frequency). This variant has not been reported in the literature in individuals affected with POLE-related conditions. ClinVar contains an entry for this variant (Variation ID: 572596). Invitae Evidence Modeling of protein sequence and biophysical properties (such as structural, functional, and spatial information, amino acid conservation, physicochemical variation, residue mobility, and thermodynamic stability) indicates that this missense variant is not expected to disrupt POLE protein function with a negative predictive value of 80%. In summary, the available evidence is currently insufficient to determine the role of this variant in disease. Therefore, it has been classified as a Variant of Uncertain Significance.